The following is an entry in ClinVar:

ClinVar aggregate classification (germline): Uncertain significance. Review status: criteria provided, multiple submitters, no conflicts (2 of 4 stars). 2 submissions from 2 submitters: Uncertain significance (2). Last evaluated 2025-09-07.

Allele frequency attached by ClinVar (database versions not stated): 1000 Genomes Project 0.00020; gnomAD exomes 0.00003; ExAC 0.00010; 1000 Genomes Project 30x 0.00016; gnomAD 0.00009; TOPMed 0.00007; ESP Exome Variant Server 0.00016.
gnomAD v4.1: 26 of 1,552,214 alleles (0.0017%); highest among the groups gnomAD compares: African/African-American, 0.018%; no homozygotes.

Submissions (2):

Labcorp Genetics (formerly Invitae), Labcorp
Classification: Uncertain significance. Last evaluated: 2025-09-07. Review status: criteria provided, single submitter. Criteria: Invitae Variant Classification Sherloc (09022015). Collection method: clinical testing. Allele origin: germline.
Comment: This sequence change replaces arginine, which is basic and polar, with cysteine, which is neutral and slightly polar, at codon 237 of the GATA5 protein (p.Arg237Cys). The frequency data for this variant in the population databases is considered unreliable, as metrics indicate poor data quality at this position in the gnomAD database. This variant has not been reported in the literature in individuals affected with GATA5-related conditions. ClinVar contains an entry for this variant (Variation ID: 1408943). Invitae Evidence Modeling of protein sequence and biophysical properties (such as structural, functional, and spatial information, amino acid conservation, physicochemical variation, residue mobility, and thermodynamic stability) indicates that this missense variant is expected to disrupt GATA5 protein function with a positive predictive value of 80%. In summary, the available evidence is currently insufficient to determine the role of this variant in disease. Therefore, it has been classified as a Variant of Uncertain Significance.

Ambry Genetics
Classification: Uncertain significance. Last evaluated: 2025-06-11. Review status: criteria provided, single submitter. Criteria: Ambry Variant Classification Scheme 2023. Collection method: clinical testing. Allele origin: germline.

NM_080473.5(GATA5):c.709C>T (p.Arg237Cys)

Gene: GATA5 (GATA binding protein 5; minus strand). Cytogenetic location: 20q13.33.
Variant type: single nucleotide variant.
Coding change: c.709C>T on transcript NM_080473.5 (MANE Select); coding-DNA position 709, C replaced by T.
Protein change: p.Arg237Cys; replaces arginine 237 with cysteine.
Molecular consequence: missense variant.
Genome position (GRCh38, 1-based): chr20:62,466,542, G>A on the plus strand (C>T on the coding strand, the complement: GATA5 is on the minus strand). VCF-style: chr20-62466542-G-A. GRCh37 (hg19) VCF-style: chr20-61041598-G-A.
Other names: c.709C>T (NM_080473.4); short protein forms R237C.
Identifiers: ClinVar variation 1408943 (VCV001408943.7), dbSNP rs367777789, ClinGen allele CA9946215.
Genomic context (GRCh38, chr20:62,466,542, plus strand): 5'-TCCGCCGCCACAGCGTGGTGTTGGTCGTGTGGCAGTTGGTGCAGCAGAGGCCGGCGCGGC[G>A]GGACGAGGACTGTGGGGGCGAGGGAGACTGGAGTGAGCCCCGGGCCGGGTGCGCGGCTGG-3'
Protein context (NP_536721.1, residues 227-247): VRPQKRLSSS[Arg237Cys]RAGLCCTNCH